The following is an entry in ClinVar:

NM_007186.6(CEP250):c.30C>A (p.Asn10Lys)

Gene: CEP250 (centrosomal protein 250; plus strand). Cytogenetic location: 20q11.22.
Variant type: single nucleotide variant.
Coding change: c.30C>A on transcript NM_007186.6 (MANE Select); coding-DNA position 30, C replaced by A.
Protein change: p.Asn10Lys; replaces asparagine 10 with lysine.
Molecular consequence: missense variant. On other transcripts: 5 prime UTR variant (1).
Genome position (GRCh38, 1-based): chr20:35,462,397, C>A. VCF-style: chr20-35462397-C-A. GRCh37 (hg19) VCF-style: chr20-34050222-C-A.
Other names: c.-1870C>A (NM_001318219.1); short protein forms N10K.
Identifiers: ClinVar variation 1942708 (VCV001942708.4), dbSNP rs747946549, ClinGen allele CA9832500.
Genomic context (GRCh38, chr20:35,462,397, plus strand): 5'-GGGACCTGTGGGCCTACCACCTGGTGCCCTCATGGAGACAAGAAGCCCTGGGTTGAACAA[C>A]ATGAAGCCCCAGTCACTGCAGCTGGTACTGGAAGAGCAGGTGCTGGCACTACAGCAGCAG-3'
Protein context (NP_009117.2, residues 1-20): METRSPGLN[Asn10Lys]MKPQSLQLVL

ClinVar aggregate classification (germline): Uncertain significance (1 of 4 stars; one submission).

Allele frequency attached by ClinVar (database versions not stated): TOPMed below 0.00001; gnomAD 0.00001.
gnomAD v4.1: 3 of 1,594,616 alleles (0.00019%); highest among the groups gnomAD compares: Admixed American, 0.0018%; no homozygotes.

Submission:

Labcorp Genetics (formerly Invitae), Labcorp
Classification: Uncertain significance. Last evaluated: 2022-07-27. Review status: criteria provided, single submitter. Criteria: Invitae Variant Classification Sherloc (09022015). Collection method: clinical testing. Allele origin: germline.
Comment: This sequence change replaces asparagine, which is neutral and polar, with lysine, which is basic and polar, at codon 10 of the CEP250 protein (p.Asn10Lys). In summary, the available evidence is currently insufficient to determine the role of this variant in disease. Therefore, it has been classified as a Variant of Uncertain Significance. Algorithms developed to predict the effect of missense changes on protein structure and function are either unavailable or do not agree on the potential impact of this missense change (SIFT: "Not Available"; PolyPhen-2: "Benign"; Align-GVGD: "Not Available"). This variant has not been reported in the literature in individuals affected with CEP250-related conditions. This variant is not present in population databases (gnomAD no frequency).